The following is an entry in ClinVar:

ClinVar aggregate classification (germline): Uncertain significance (1 of 4 stars; one submission).

Conditions:
Familial thoracic aortic aneurysm and aortic dissection (TAAD). Also called: Thoracic aortic aneurysms and dissections. Identifiers: Orphanet 91387, MedGen C4707243, MONDO:0019625.

Submission:

Ambry Genetics
Classification: Uncertain significance for Familial thoracic aortic aneurysm and aortic dissection. Last evaluated: 2026-09-07. Review status: criteria provided, single submitter. Criteria: Ambry Variant Classification Scheme 2023. Collection method: clinical testing. Allele origin: germline.
Comment: The p.T1380I variant (also known as c.4139C>T), located in coding exon 23 of the FLNA gene, results from a C to T substitution at nucleotide position 4139. The threonine at codon 1380 is replaced by isoleucine, an amino acid with similar properties. This amino acid position is conserved. In addition, this alteration is predicted to be deleterious by in silico analysis. Based on the available evidence, the clinical significance of this variant remains unclear.

NM_001110556.2(FLNA):c.4139C>T (p.Thr1380Ile)

Gene: FLNA (filamin A; minus strand). Cytogenetic location: Xq28.
Variant type: single nucleotide variant.
Coding change: c.4139C>T on transcript NM_001110556.2 (MANE Select); coding-DNA position 4139, C replaced by T.
Protein change: p.Thr1380Ile; replaces threonine 1380 with isoleucine.
Molecular consequence: missense variant.
Genome position (GRCh38, 1-based): chrX:154,359,487, G>A on the plus strand (C>T on the coding strand, the complement: FLNA is on the minus strand). VCF-style: chrX-154359487-G-A. GRCh37 (hg19) VCF-style: chrX-153587855-G-A.
Other names: c.4139C>T, p.Thr1380Ile (NM_001456.4); short protein forms T1380I.
Identifiers: ClinVar variation 5021921 (VCV005021921.1).